The following is an entry in ClinVar:

ClinVar aggregate classification (germline): Uncertain significance (1 of 4 stars; one submission).

Conditions:
Deficiency of alpha-mannosidase (MANSA). Also called: Alpha-Mannosidosis; Mannosidosis, alpha-, types I and II; LYSOSOMAL ALPHA-D-MANNOSIDASE DEFICIENCY. Identifiers: Orphanet 61, MedGen C0024748, MONDO:0009561, OMIM 248500.

Submission:

Labcorp Genetics (formerly Invitae), Labcorp
Classification: Uncertain significance for Deficiency of alpha-mannosidase. Last evaluated: 2022-06-02. Review status: criteria provided, single submitter. Criteria: Invitae Variant Classification Sherloc (09022015). Collection method: clinical testing. Allele origin: germline.
Comment: This sequence change replaces proline, which is neutral and non-polar, with histidine, which is basic and polar, at codon 571 of the MAN2B1 protein (p.Pro571His). This variant is not present in population databases (gnomAD no frequency). This variant has not been reported in the literature in individuals affected with MAN2B1-related conditions. Algorithms developed to predict the effect of missense changes on protein structure and function are either unavailable or do not agree on the potential impact of this missense change (SIFT: "Deleterious"; PolyPhen-2: "Probably Damaging"; Align-GVGD: "Class C0"). In summary, the available evidence is currently insufficient to determine the role of this variant in disease. Therefore, it has been classified as a Variant of Uncertain Significance.

NM_000528.4(MAN2B1):c.1712C>A (p.Pro571His)

Gene: MAN2B1 (mannosidase alpha class 2B member 1; minus strand). Cytogenetic location: 19p13.13.
Variant type: single nucleotide variant.
Coding change: c.1712C>A on transcript NM_000528.4 (MANE Select); coding-DNA position 1712, C replaced by A.
Protein change: p.Pro571His; replaces proline 571 with histidine.
Molecular consequence: missense variant.
Genome position (GRCh38, 1-based): chr19:12,655,812, G>T on the plus strand (C>A on the coding strand, the complement: MAN2B1 is on the minus strand). VCF-style: chr19-12655812-G-T. GRCh37 (hg19) VCF-style: chr19-12766626-G-T.
Other names: c.1709C>A, p.Pro570His (NM_001173498.2); short protein forms P571H, P570H.
Identifiers: ClinVar variation 2001884 (VCV002001884.1), dbSNP rs2512497665, ClinGen allele CA404244922.